The following is an entry in ClinVar:

ClinVar aggregate classification (germline): Likely benign. Review status: criteria provided, multiple submitters, no conflicts (2 of 4 stars). 3 submissions from 3 submitters: Likely benign (3). Last evaluated 2025-02-19.

Conditions:
Malignant hyperthermia, susceptibility to, 5 (MHS5). Also called: CACNA1S-Related Malignant Hyperthermia Susceptibility. Identifiers: Orphanet 423, MedGen C1866077, MONDO:0011163, OMIM 601887.
Hypokalemic periodic paralysis, type 1. Also called: Hypokalemic Periodic Paralysis Type 1 (AD); HypoPP. Identifiers: Orphanet 681, MedGen C3714580, MONDO:0042979, OMIM 170400.

Submissions (3):

Women's Health and Genetics/Laboratory Corporation of America, LabCorp
Classification: Likely benign. Last evaluated: 2025-02-19. Review status: criteria provided, single submitter. Criteria: LabCorp Variant Classification Summary - May 2015. Collection method: clinical testing. Allele origin: germline.

All of Us Research Program, National Institutes of Health
Classification: Likely benign for Malignant hyperthermia, susceptibility to, 5. Last evaluated: 2024-08-13. Review status: criteria provided, single submitter. Criteria: ACMG Guidelines, 2015. Collection method: clinical testing. Allele origin: germline. Inheritance: Autosomal dominant inheritance. Observed: 1 variant allele, 1 heterozygote.
Comment: This study involves interpretation of variants in research participants for the purpose of population health screening. Participant phenotype was not available at the time of variant classification. Additional details can be found in publication PMID: 35346344, PMCID: PMC8962531

Labcorp Genetics (formerly Invitae), Labcorp
Classification: Likely benign for Hypokalemic periodic paralysis, type 1; Malignant hyperthermia, susceptibility to, 5. Last evaluated: 2024-07-23. Review status: criteria provided, single submitter. Criteria: Invitae Variant Classification Sherloc (09022015). Collection method: clinical testing. Allele origin: germline.

NM_000069.3(CACNA1S):c.955T>C (p.Leu319=)

Gene: CACNA1S (calcium voltage-gated channel subunit alpha1 S; minus strand). Cytogenetic location: 1q32.1.
Variant type: single nucleotide variant.
Coding change: c.955T>C on transcript NM_000069.3 (MANE Select); coding-DNA position 955, T replaced by C.
Protein change: p.Leu319=; no amino-acid change (leucine 319 retained).
Molecular consequence: synonymous variant.
Genome position (GRCh38, 1-based): chr1:201,087,875, A>G on the plus strand (T>C on the coding strand, the complement: CACNA1S is on the minus strand). VCF-style: chr1-201087875-A-G. GRCh37 (hg19) VCF-style: chr1-201057003-A-G.
Identifiers: ClinVar variation 2202174 (VCV002202174.6), dbSNP rs1558078336, ClinGen allele CA422693778.
Genomic context (GRCh38, chr1:201,087,875, plus strand): 5'-GAATTTCTTACCCACTCAGGACACCCAGCACCAGGTTGAGGATGAAGAAGGATCCCAGCA[A>G]AATGAGGGTGACAAAATAGATCCAGGGCCACTCATTCCCGATGGCATCATTGACCTGGTC-3'
Protein context (NP_000060.2, residues 309-329): WPWIYFVTLI[Leu319=]LGSFFILNLV